The following is an entry in ClinVar:

NM_014324.6(AMACR):c.910G>T (p.Val304Phe)

Genes: AMACR (alpha-methylacyl-CoA racemase; minus strand), C1QTNF3-AMACR (C1QTNF3-AMACR readthrough (NMD candidate); minus strand). Cytogenetic location: 5p13.2.
Variant type: single nucleotide variant.
Coding change: c.910G>T on transcript NM_014324.6 (MANE Select); coding-DNA position 910, G replaced by T.
Protein change: p.Val304Phe; replaces valine 304 with phenylalanine.
Molecular consequence: missense variant. On other transcripts: non-coding transcript variant (1), 3 prime UTR variant (1).
Genome position (GRCh38, 1-based): chr5:33,989,332, C>A on the plus strand (G>T on the coding strand, the complement: AMACR is on the minus strand). VCF-style: chr5-33989332-C-A. GRCh37 (hg19) VCF-style: chr5-33989437-C-A.
Other names: c.910G>T, p.Val304Phe (NM_001167595.2); c.*152G>T (NM_203382.3); short protein forms V304F.
Identifiers: ClinVar variation 2632046 (VCV002632046.1), dbSNP rs762820381, ClinGen allele CA3226001.

ClinVar aggregate classification (germline): Uncertain significance (1 of 4 stars; one submission).

Conditions:
AMACR-related disorder. Also called: AMACR-related condition; AMACR-Related Disorders.

Allele frequency attached by ClinVar (database versions not stated): gnomAD 0.00003; TOPMed 0.00006.

Submission:

PreventionGenetics, part of Exact Sciences
Classification: Uncertain significance for AMACR-related condition. Last evaluated: 2023-07-11. Review status: criteria provided, single submitter. Criteria: ACMG Guidelines, 2015. Collection method: clinical testing. Allele origin: germline.
Comment: The AMACR c.910G>T variant is predicted to result in the amino acid substitution p.Val304Phe. To our knowledge, this variant has not been reported in the literature. This variant is reported in 0.016% of alleles in individuals of African descent in gnomAD. At this time, the clinical significance of this variant is uncertain due to the absence of conclusive functional and genetic evidence.